The following is an entry in ClinVar:

NM_001698.3(AUH):c.823G>A (p.Ala275Thr)

Gene: AUH (AU RNA binding methylglutaconyl-CoA hydratase; minus strand). Cytogenetic location: 9q22.31.
Variant type: single nucleotide variant.
Coding change: c.823G>A on transcript NM_001698.3 (MANE Select); coding-DNA position 823, G replaced by A.
Protein change: p.Ala275Thr; replaces alanine 275 with threonine.
Molecular consequence: missense variant.
Genome position (GRCh38, 1-based): chr9:91,220,825, C>T on the plus strand (G>A on the coding strand, the complement: AUH is on the minus strand). VCF-style: chr9-91220825-C-T. GRCh37 (hg19) VCF-style: chr9-93983107-C-T.
Other names: c.736G>A, p.Ala246Thr (NM_001306190.2); c.496G>A, p.Ala166Thr (NM_001351431.2, NM_001351432.2, NM_001351433.2); short protein forms A166T, A275T, A246T.
Identifiers: ClinVar variation 4736694 (VCV004736694.1).

ClinVar aggregate classification (germline): Uncertain significance (1 of 4 stars; one submission).

Conditions:
3-methylglutaconic aciduria type 1 (MGCA1). Identifiers: Orphanet 67046, MedGen C0342727, MONDO:0009610, OMIM 250950.

gnomAD v4.1: 23 of 1,614,092 alleles (0.0014%); highest among the groups gnomAD compares: Non-Finnish European, 0.0019%; no homozygotes.

Submission:

Labcorp Genetics (formerly Invitae), Labcorp
Classification: Uncertain significance for 3-methylglutaconic aciduria type 1. Last evaluated: 2025-07-09. Review status: criteria provided, single submitter. Criteria: Invitae Variant Classification Sherloc (09022015). Collection method: clinical testing. Allele origin: germline.
Comment: This sequence change replaces alanine, which is neutral and non-polar, with threonine, which is neutral and polar, at codon 275 of the AUH protein (p.Ala275Thr). This variant is not present in population databases (gnomAD no frequency). This variant has not been reported in the literature in individuals affected with AUH-related conditions. Invitae Evidence Modeling of protein sequence and biophysical properties (such as structural, functional, and spatial information, amino acid conservation, physicochemical variation, residue mobility, and thermodynamic stability) has been performed for this missense variant. However, the output from this modeling did not meet the statistical confidence thresholds required to predict the impact of this variant on AUH protein function. This variant disrupts the p.Ala275 amino acid residue in AUH. Other variant(s) that disrupt this residue have been determined to be pathogenic (internal data). This suggests that this residue is clinically significant, and that variants that disrupt this residue are likely to be disease-causing. In summary, the available evidence is currently insufficient to determine the role of this variant in disease. Therefore, it has been classified as a Variant of Uncertain Significance.